The following is an entry in ClinVar:

NC_000005.9:g.(?_70895466)_(70900315_?)dup

Gene: MCCC2 (methylcrotonyl-CoA carboxylase subunit 2; plus strand). Cytogenetic location: 5q13.2.
Variant type: Duplication.
Identifiers: ClinVar variation 3246359 (VCV003246359.1).

ClinVar aggregate classification (germline): Pathogenic (1 of 4 stars; one submission).

Conditions:
3-methylcrotonyl-CoA carboxylase 2 deficiency. Also called: 3 alpha methylcrotonyl-CoA carboxylase 2 deficiency; 3 alpha methylcrotonylglycinuria 2; MCC 2 deficiency; Methylcrotonylglycinuria type 2; METHYLCROTONYLGLYCINURIA, TYPE II. Identifiers: Orphanet 6, MedGen C1859499, MONDO:0008862, OMIM 210210.

Submission:

Labcorp Genetics (formerly Invitae), Labcorp
Classification: Pathogenic for 3-methylcrotonyl-CoA carboxylase 2 deficiency. Last evaluated: 2023-10-14. Review status: criteria provided, single submitter. Criteria: Invitae Variant Classification Sherloc (09022015). Collection method: clinical testing. Allele origin: unknown.
Comment: This variant results in a copy number gain of the genomic region encompassing exon(s) 4-6 of the MCCC2 gene. While the exact position of this variant cannot be determined from the data, sub-genic copy number gains are generally in tandem (PMID: 25640679). This variant is predicted to be out-of-frame, and may result in an absent or disrupted protein product. Loss-of-function variants in MCCC2 are known to be pathogenic (PMID: 11181649, 22642865). A similar copy number variant has been observed in individual(s) with clinical features of 3-methylcrotonyl-CoA carboxylase deficiency (Invitae). In at least one individual the data is consistent with being in trans (on the opposite chromosome) from a pathogenic variant. For these reasons, this variant has been classified as Pathogenic.

Literature cited by the submitters: PubMed 25640679; PubMed 11181649; PubMed 22642865.